The following is an entry in ClinVar:

ClinVar aggregate classification (germline): Uncertain significance (1 of 4 stars; one submission).

Submission:

GeneDx
Classification: Uncertain significance. Last evaluated: 2019-08-12. Review status: criteria provided, single submitter. Criteria: GeneDx Variant Classification Process June 2021. Collection method: clinical testing. Allele origin: germline. Affected: yes.
Comment: Has not been previously published as pathogenic or benign to our knowledge; Not observed in large population cohorts (Lek et al., 2016); In silico analysis, which includes protein predictors and evolutionary conservation, supports a deleterious effect

NM_005902.4(SMAD3):c.1150T>C (p.Tyr384His)

Gene: SMAD3 (SMAD family member 3; plus strand). Cytogenetic location: 15q22.33.
Variant type: single nucleotide variant.
Coding change: c.1150T>C on transcript NM_005902.4 (MANE Select); coding-DNA position 1150, T replaced by C.
Protein change: p.Tyr384His; replaces tyrosine 384 with histidine.
Molecular consequence: missense variant.
Genome position (GRCh38, 1-based): chr15:67,187,505, T>C. VCF-style: chr15-67187505-T-C. GRCh37 (hg19) VCF-style: chr15-67479843-T-C.
Other names: c.1018T>C, p.Tyr340His (NM_001145103.2); c.565T>C, p.Tyr189His (NM_001145104.2); c.835T>C, p.Tyr279His (NM_001145102.2); short protein forms Y189H, Y279H, Y340H, Y384H.
Identifiers: ClinVar variation 1303248 (VCV001303248.2), dbSNP rs2140323802, ClinGen allele CA392958363.